The following is an entry in ClinVar:

ClinVar aggregate classification (germline): Uncertain significance (1 of 4 stars; one submission).

Conditions:
Tuberous sclerosis 2 (TSC2). Identifiers: Orphanet 805, MedGen C1860707, MONDO:0013199, OMIM 613254.

Submission:

Labcorp Genetics (formerly Invitae), Labcorp
Classification: Uncertain significance for Tuberous sclerosis 2. Last evaluated: 2023-04-14. Review status: criteria provided, single submitter. Criteria: Invitae Variant Classification Sherloc (09022015). Collection method: clinical testing. Allele origin: germline.
Comment: This variant has not been reported in the literature in individuals affected with TSC2-related conditions. This sequence change replaces tyrosine, which is neutral and polar, with valine, which is neutral and non-polar, at codon 790 of the TSC2 protein (p.Tyr790Val). Information on the frequency of this variant in the gnomAD database is not available, as this variant may be reported differently in the database. An algorithm developed to predict the effect of missense changes on protein structure and function (PolyPhen-2) suggests that this variant is likely to be tolerated. In summary, the available evidence is currently insufficient to determine the role of this variant in disease. Therefore, it has been classified as a Variant of Uncertain Significance.

NM_000548.5(TSC2):c.2368_2369delinsGT (p.Tyr790Val)

Gene: TSC2 (TSC complex subunit 2; plus strand). Cytogenetic location: 16p13.3.
Variant type: Indel.
Coding change: c.2368_2369delinsGT on transcript NM_000548.5 (MANE Select); coding-DNA positions 2368 to 2369, TA replaced by GT.
Protein change: p.Tyr790Val; replaces tyrosine 790 with valine.
Molecular consequence: missense variant. On other transcripts: non-coding transcript variant (5).
Genome position (GRCh38, 1-based): chr16:2,074,212-2,074,213, TA replaced by GT. VCF-style: chr16-2074212-TA-GT. GRCh37 (hg19) VCF-style: chr16-2124213-TA-GT.
Other names: c.2368_2369delinsGT, p.Tyr790Val (NM_001077183.3, NM_001114382.3, NM_001363528.2 and 6 more transcripts); c.2257_2258delinsGT, p.Tyr753Val (NM_001318827.2, NM_001406670.1, NM_001406678.1); c.2221_2222delinsGT, p.Tyr741Val (NM_001318829.2, NM_001406675.1, NM_001406676.1 and 1 more transcripts); c.1768_1769delinsGT, p.Tyr590Val (NM_001318831.2, NM_001406682.1, NM_001406683.1 and 6 more transcripts); c.2401_2402delinsGT, p.Tyr801Val (NM_001318832.2); c.2458_2459delinsGT, p.Tyr820Val (NM_001406667.1, NM_001406668.1); c.1024_1025delinsGT, p.Tyr342Val (NM_001406689.1, NM_001406690.1, NM_001406691.1 and 6 more transcripts); c.2356_2357delinsGT, p.Tyr786Val (NM_001406671.1, NM_001406673.1); and 3 more; short protein forms Y342V, Y590V, Y256V, Y790V, Y636V, Y741V, Y801V, Y820V.
Identifiers: ClinVar variation 2855989 (VCV002855989.3), dbSNP rs2543811999, ClinGen allele CA2739269929.